The following is an entry in ClinVar:

ClinVar aggregate classification (germline): Likely pathogenic (1 of 4 stars; one submission).

Allele frequency attached by ClinVar (database versions not stated): TOPMed below 0.00001; gnomAD 0.00001; gnomAD exomes 0.00003.

Submission:

Labcorp Genetics (formerly Invitae), Labcorp
Classification: Likely pathogenic. Last evaluated: 2025-09-02. Review status: criteria provided, single submitter. Criteria: Invitae Variant Classification Sherloc (09022015). Collection method: clinical testing. Allele origin: germline.
Comment: This sequence change affects a donor splice site in intron 1 of the NEU1 gene. It is expected to disrupt RNA splicing. Variants that disrupt the donor or acceptor splice site typically lead to a loss of protein function (PMID: 16199547), and loss-of-function variants in NEU1 are known to be pathogenic (PMID: 11063730, 14517945). This variant is present in population databases (no rsID available, gnomAD 0.0009%). This variant has not been reported in the literature in individuals affected with NEU1-related conditions. ClinVar contains an entry for this variant (Variation ID: 953140). Algorithms developed to predict the effect of sequence changes on RNA splicing suggest that this variant may disrupt the consensus splice site. In summary, the currently available evidence indicates that the variant is pathogenic, but additional data are needed to prove that conclusively. Therefore, this variant has been classified as Likely Pathogenic.

Literature cited by the submitters: PubMed 16199547; PubMed 11063730; PubMed 14517945.

NM_000434.4(NEU1):c.159+2T>C

Gene: NEU1 (neuraminidase 1; minus strand). Cytogenetic location: 6p21.33.
Variant type: single nucleotide variant.
Coding change: c.159+2T>C on transcript NM_000434.4 (MANE Select); the canonical splice donor site of the intron after coding-DNA position 159, T replaced by C.
Molecular consequence: splice donor variant.
Genome position (GRCh38, 1-based): chr6:31,862,616, A>G on the plus strand (T>C on the coding strand, the complement: NEU1 is on the minus strand). VCF-style: chr6-31862616-A-G. GRCh37 (hg19) VCF-style: chr6-31830393-A-G.
Identifiers: ClinVar variation 953140 (VCV000953140.8), dbSNP rs1437050890, ClinGen allele CA363498033.
Genomic context (GRCh38, chr6:31,862,616, plus strand): 5'-GGGACACTAGGTGTCGATCACCTGCGCGGGTCGGGGATGGGGCTATGCAAAGGGTGACTC[A>G]CCAGACCGAAGTCGTTCTCAGCCTTGGACCAGGAGGCTGCCAGAGACAGCAGCAGGAAGA-3'